The following is an entry in ClinVar:

ClinVar aggregate classification (germline): Pathogenic/Likely pathogenic. Review status: criteria provided, multiple submitters, no conflicts (2 of 4 stars). 6 submissions from 6 submitters: Pathogenic (3); Likely pathogenic (3). Last evaluated 2025-11-25.

Conditions:
Hermansky-Pudlak syndrome (HPS). Also called: ALBINISM WITH HEMORRHAGIC DIATHESIS AND PIGMENTED RETICULOENDOTHELIAL CELLS. Identifiers: Orphanet 79430, MedGen C0079504, MONDO:0019312.
Hermansky-Pudlak syndrome 1 (HPS1). Also called: DELTA STORAGE POOL DISEASE. Identifiers: Orphanet 231500, Orphanet 79430, MedGen C2931875, MONDO:0008748, OMIM 203300.

Allele frequency attached by ClinVar (database versions not stated): ExAC 0.00001; gnomAD exomes 0.00001; TOPMed 0.00001.

Submissions (6):

Labcorp Genetics (formerly Invitae), Labcorp
Classification: Likely pathogenic. Last evaluated: 2025-11-25. Review status: criteria provided, single submitter. Criteria: Invitae Variant Classification Sherloc (09022015). Collection method: clinical testing. Allele origin: germline.
Comment: This sequence change affects an acceptor splice site in intron 18 of the HPS1 gene. It is expected to disrupt RNA splicing. Variants that disrupt the donor or acceptor splice site typically lead to a loss of protein function (PMID: 16199547), and loss-of-function variants in HPS1 are known to be pathogenic (PMID: 12442288, 16185271). This variant is present in population databases (rs758797992, gnomAD 0.002%). Disruption of this splice site has been observed in individual(s) with Hermansky-Pudlak syndrome (PMID: 31898847). ClinVar contains an entry for this variant (Variation ID: 1341386). Algorithms developed to predict the effect of sequence changes on RNA splicing suggest that this variant may disrupt the consensus splice site. In summary, the currently available evidence indicates that the variant is pathogenic, but additional data are needed to prove that conclusively. Therefore, this variant has been classified as Likely Pathogenic.

Natera, Inc.
Classification: Likely pathogenic for Hermansky-Pudlak syndrome. Last evaluated: 2025-07-25. Review status: criteria provided, single submitter. Criteria: Natera Variant Classification Schema (03/2026). Collection method: clinical testing. Allele origin: germline.
Comment: The c.1858-1G>A variant in HPS1 is a canonical splice acceptor site variant predicted to affect pre-mRNA splicing, which may result in an abnormal transcript and altered protein product. This variant is expected to result in nonsense mediated decay, truncation, or a dysfunctional protein product. This variant is rare in the general population with a frequency below the threshold expected for the associated phenotype(s). This variant has been observed in one or more individuals affected with the associated recessive disease, as either homozygous or compound heterozygous with a second variant (PMID: 33423334, 31898847). Given the available evidence, this variant is classified as Likely Pathogenic.

GeneDx
Classification: Pathogenic. Last evaluated: 2024-11-21. Review status: criteria provided, single submitter. Criteria: GeneDx Variant Classification Process June 2021. Collection method: clinical testing. Allele origin: germline.
Comment: Observed in apparent homozygous state in a patient reported to have Hermansky-Pudlak syndrome in the literature, and not observed in homozygous state in controls, however, patient-specific clinical information was not provided (PMID: 31898847); Canonical splice site variant predicted to result in a null allele in a gene for which loss of function is a known mechanism of disease; Not observed at significant frequency in large population cohorts (gnomAD); This variant is associated with the following publications: (PMID: 33423334, 31898847)

Baylor Genetics
Classification: Pathogenic for Hermansky-Pudlak syndrome 1. Last evaluated: 2024-03-20. Review status: criteria provided, single submitter. Criteria: ACMG Guidelines, 2015. Collection method: clinical testing. Allele origin: unknown.

Fulgent Genetics
Classification: Likely pathogenic for Hermansky-Pudlak syndrome 1. Last evaluated: 2023-12-29. Review status: criteria provided, single submitter. Criteria: ACMG Guidelines, 2015. Collection method: clinical testing. Allele origin: germline.

Broad Center for Mendelian Genomics, Broad Institute of MIT and Harvard
Classification: Pathogenic for Hermansky-Pudlak syndrome. Last evaluated: 2021-11-29. Review status: criteria provided, single submitter. Criteria: ACMG Guidelines, 2015. Collection method: curation. Allele origin: germline. Inheritance: Autosomal recessive inheritance.
Comment: The c.1858-1G>A variant in HPS1 has been reported in 1 individual, in the homozygous state, with Hermansky-Pudlak syndrome (PMID: 31898847) and has been identified in 0.002% (2/110986) of European (non-Finnish) chromosomes by the Genome Aggregation Database (gnomAD; dbSNP ID: rs758797992). Although this variant has been seen in the general population in a heterozygous state, its frequency is low enough to be consistent with a recessive carrier frequency. This variant is located in the 5' splice region. Computational tools predict a splicing impact, though this information is not predictive enough to determine pathogenicity. Loss of function of the HPS1 gene is an established disease mechanism in autosomal recessive Hermansky-Pudlak syndrome. In summary, this variant meets criteria to be classified as pathogenic for autosomal recessive Hermansky-Pudlak syndrome. ACMG/AMP Criteria applied: PVS1, PM2_supporting, PM3_supporting (Richards 2015).

Literature cited by the submitters: PubMed 16199547 (cited by Labcorp Genetics (formerly Invitae), Labcorp); PubMed 12442288 (cited by Labcorp Genetics (formerly Invitae), Labcorp); PubMed 16185271 (cited by Labcorp Genetics (formerly Invitae), Labcorp); PubMed 31898847 (cited by Labcorp Genetics (formerly Invitae), Labcorp and Natera, Inc.); PubMed 33423334 (cited by Natera, Inc.).

NM_000195.5(HPS1):c.1858-1G>A

Gene: HPS1 (HPS1 biogenesis of lysosomal organelles complex 3 subunit 1; minus strand). Cytogenetic location: 10q24.2.
Variant type: single nucleotide variant.
Coding change: c.1858-1G>A on transcript NM_000195.5 (MANE Select); the canonical splice acceptor site of the intron before coding-DNA position 1858, G replaced by A.
Molecular consequence: splice acceptor variant.
Genome position (GRCh38, 1-based): chr10:98,418,258, C>T on the plus strand (G>A on the coding strand, the complement: HPS1 is on the minus strand). VCF-style: chr10-98418258-C-T. GRCh37 (hg19) VCF-style: chr10-100178015-C-T.
Other names: NM_001322489.2:c.886-1G>A; c.1858-1G>A (NM_000195.4, NM_001322476.2, NM_001322477.2); c.1489-1G>A (NM_001322483.2, NM_001322484.2); c.1597-1G>A (NM_001322480.2, NM_001322481.2); c.1759-1G>A (NM_001322478.2, NM_001322479.2); c.1390-1G>A (NM_001322485.2); c.1498-1G>A (NM_001322482.2); c.886-1G>A (NM_001322489.2, NM_001311345.2, NM_001322487.2).
Identifiers: ClinVar variation 1341386 (VCV001341386.14), dbSNP rs758797992, ClinGen allele CA5638855.